The following is an entry in ClinVar:

NM_206933.4(USH2A):c.1358C>T (p.Thr453Ile)

Gene: USH2A (usherin; minus strand). Cytogenetic location: 1q41.
Variant type: single nucleotide variant.
Coding change: c.1358C>T on transcript NM_206933.4 (MANE Select); coding-DNA position 1358, C replaced by T.
Protein change: p.Thr453Ile; replaces threonine 453 with isoleucine.
Molecular consequence: missense variant.
Genome position (GRCh38, 1-based): chr1:216,323,666, G>A on the plus strand (C>T on the coding strand, the complement: USH2A is on the minus strand). VCF-style: chr1-216323666-G-A. GRCh37 (hg19) VCF-style: chr1-216497008-G-A.
Other names: c.1358C>T, p.Thr453Ile (NM_007123.6); short protein forms T453I.
Identifiers: ClinVar variation 1408210 (VCV001408210.5), dbSNP rs2102653345, ClinGen allele CA344910349.

ClinVar aggregate classification (germline): Uncertain significance (1 of 4 stars; one submission).

Allele frequency attached by ClinVar (database versions not stated): gnomAD exomes below 0.00001.
gnomAD v4.1: 4 of 1,613,536 alleles (0.00025%); highest among the groups gnomAD compares: East Asian, 0.0022%; no homozygotes.

Submission:

Labcorp Genetics (formerly Invitae), Labcorp
Classification: Uncertain significance. Last evaluated: 2022-07-19. Review status: criteria provided, single submitter. Criteria: Invitae Variant Classification Sherloc (09022015). Collection method: clinical testing. Allele origin: germline.
Comment: This sequence change replaces threonine, which is neutral and polar, with isoleucine, which is neutral and non-polar, at codon 453 of the USH2A protein (p.Thr453Ile). This variant is not present in population databases (gnomAD no frequency). This variant has not been reported in the literature in individuals affected with USH2A-related conditions. ClinVar contains an entry for this variant (Variation ID: 1408210). Algorithms developed to predict the effect of missense changes on protein structure and function (SIFT, PolyPhen-2, Align-GVGD) all suggest that this variant is likely to be disruptive. In summary, the available evidence is currently insufficient to determine the role of this variant in disease. Therefore, it has been classified as a Variant of Uncertain Significance.